The following is an entry in ClinVar:

NM_002439.5(MSH3):c.1130dup (p.Asn377fs)

Gene: MSH3 (mutS homolog 3; plus strand). Cytogenetic location: 5q14.1.
Variant type: Duplication.
Coding change: c.1130dup on transcript NM_002439.5 (MANE Select); coding-DNA position 1130, one base duplicated (A; older notation c.1130dupA).
Protein change: p.Asn377fs; shifts the reading frame from asparagine 377.
Molecular consequence: frameshift variant.
Genome position (GRCh38, 1-based): chr5:80,675,085, A duplicated; the last of 4 consecutive A bases (chr5:80,675,082-80,675,085); duplicating any one gives the same sequence. VCF-style (leftmost placement, unchanged base first): chr5-80675081-G-GA. GRCh37 (hg19) VCF-style: chr5-79970900-G-GA.
Other names: short protein forms N377fs.
Identifiers: ClinVar variation 4727470 (VCV004727470.1).
Genomic context (GRCh38, chr5:80,675,081, plus strand): 5'-GTTGATGAGATAATGACTGATACTTCTACCAGCTATCTTCTGTGCATCTCTGAAAATAAG[G>GA]AAAATGTTAGGGACAAAAAAAAGGGCAACATTTTTATTGGCATTGTGGTAAGTACTTTGC-3'

ClinVar aggregate classification (germline): Pathogenic (1 of 4 stars; one submission).

Submission:

Labcorp Genetics (formerly Invitae), Labcorp
Classification: Pathogenic. Last evaluated: 2025-09-20. Review status: criteria provided, single submitter. Criteria: Invitae Variant Classification Sherloc (09022015). Collection method: clinical testing. Allele origin: germline.
Comment: This sequence change creates a premature translational stop signal (p.Asn377Lysfs*3) in the MSH3 gene. It is expected to result in an absent or disrupted protein product. Loss-of-function variants in MSH3 are known to be pathogenic (PMID: 27476653, 37402566). This variant is not present in population databases (gnomAD no frequency). This variant has not been reported in the literature in individuals affected with MSH3-related conditions. Algorithms developed to predict the effect of sequence changes on RNA splicing suggest that this variant may disrupt the consensus splice site. For these reasons, this variant has been classified as Pathogenic.

Literature cited by the submitters: PubMed 27476653; PubMed 37402566.